The following is an entry in ClinVar:

ClinVar aggregate classification (germline): Uncertain significance (1 of 4 stars; one submission).

Conditions:
Developmental and epileptic encephalopathy, 25 (DEE25). Also called: Epileptic encephalopathy, early infantile, 25; Developmental and epileptic encephalopathy 25, with amelogenesis imperfecta; Epileptic encephalopathy, early infantile, 25, with amelogenesis imperfecta. Identifiers: Orphanet 442835, MedGen C4014621, MONDO:0014392, OMIM 615905.

Allele frequency attached by ClinVar (database versions not stated): TOPMed below 0.00001; gnomAD 0.00001.
gnomAD v4.1: 1 of 1,614,058 alleles (0.000062%); highest among the groups gnomAD compares: Non-Finnish European, 0.000085%; no homozygotes.

Submission:

Labcorp Genetics (formerly Invitae), Labcorp
Classification: Uncertain significance for Developmental and epileptic encephalopathy, 25. Last evaluated: 2025-05-12. Review status: criteria provided, single submitter. Criteria: Invitae Variant Classification Sherloc (09022015). Collection method: clinical testing. Allele origin: germline.
Comment: This sequence change replaces tryptophan, which is neutral and slightly polar, with cysteine, which is neutral and slightly polar, at codon 269 of the SLC13A5 protein (p.Trp269Cys). This variant is present in population databases (no rsID available, gnomAD 0.007%). This variant has not been reported in the literature in individuals affected with SLC13A5-related conditions. ClinVar contains an entry for this variant (Variation ID: 1904749). Invitae Evidence Modeling of protein sequence and biophysical properties (such as structural, functional, and spatial information, amino acid conservation, physicochemical variation, residue mobility, and thermodynamic stability) indicates that this missense variant is expected to disrupt SLC13A5 protein function with a positive predictive value of 80%. In summary, the available evidence is currently insufficient to determine the role of this variant in disease. Therefore, it has been classified as a Variant of Uncertain Significance.

NM_177550.5(SLC13A5):c.807G>T (p.Trp269Cys)

Gene: SLC13A5 (solute carrier family 13 member 5; minus strand). Cytogenetic location: 17p13.1.
Variant type: single nucleotide variant.
Coding change: c.807G>T on transcript NM_177550.5 (MANE Select); coding-DNA position 807, G replaced by T.
Protein change: p.Trp269Cys; replaces tryptophan 269 with cysteine.
Molecular consequence: missense variant.
Genome position (GRCh38, 1-based): chr17:6,701,036, C>A on the plus strand (G>T on the coding strand, the complement: SLC13A5 is on the minus strand). VCF-style: chr17-6701036-C-A. GRCh37 (hg19) VCF-style: chr17-6604355-C-A.
Other names: c.807G>T, p.Trp269Cys (NM_001143838.3); c.756G>T, p.Trp252Cys (NM_001284509.2); c.678G>T, p.Trp226Cys (NM_001284510.2); short protein forms W252C, W226C, W269C.
Identifiers: ClinVar variation 1904749 (VCV001904749.3), dbSNP rs1185777681, ClinGen allele CA397746939.